The following is an entry in ClinVar:

ClinVar aggregate classification (germline): Uncertain significance (1 of 4 stars; one submission).

Conditions:
Emery-Dreifuss muscular dystrophy (EDMD). Also called: Scapuloperoneal syndrome, X-linked (formerly); Humeroperoneal neuromuscular disease, (formerly). Identifiers: Orphanet 261, MedGen C0410189, MONDO:0016830.

Submission:

Labcorp Genetics (formerly Invitae), Labcorp
Classification: Uncertain significance for Emery-Dreifuss muscular dystrophy. Last evaluated: 2018-03-14. Review status: criteria provided, single submitter. Criteria: Invitae Variant Classification Sherloc (09022015). Collection method: clinical testing. Allele origin: germline.
Comment: This sequence change results in a premature translational stop signal in the SUN2 gene (p.Ala685Profs*11). While this is not anticipated to result in nonsense mediated decay, it is expected to disrupt the last 33 amino acids of the SUN2 protein. This variant is not present in population databases (ExAC no frequency). This variant has not been reported in the literature in individuals with SUN2-related disease. In summary, the available evidence is currently insufficient to determine the role of this variant in disease. Therefore, it has been classified as a Variant of Uncertain Significance. The current clinical and genetic evidence is not sufficient to establish whether loss-of-function variants in SUN2 cause disease.

NM_015374.3(SUN2):c.2053del (p.Ala685fs)

Genes: GTPBP1 (GTP binding protein 1; plus strand), SUN2 (Sad1 and UNC84 domain containing 2; minus strand). Cytogenetic location: 22q13.1.
Variant type: Deletion.
Coding change: c.2053del on transcript NM_015374.3 (MANE Select); coding-DNA position 2053, one base deleted (G; older notation c.2053delG).
Protein change: p.Ala685fs; shifts the reading frame from alanine 685.
Molecular consequence: frameshift variant.
Genome position (GRCh38, 1-based): chr22:38,736,368, C deleted on the plus strand (G on the coding strand, the reverse complement: SUN2 is on the minus strand); the first of 2 consecutive C bases (chr22:38,736,368-38,736,369); deleting either gives the same sequence. VCF-style (leftmost placement, unchanged base first): chr22-38736367-GC-G. GRCh37 (hg19) VCF-style: chr22-39132372-GC-G.
Other names: c.2116del, p.Ala706fs (NM_001199579.2); c.2053del, p.Ala685fs (NM_001199580.2); short protein forms A685fs, A706fs.
Identifiers: ClinVar variation 566472 (VCV000566472.6), dbSNP rs1264903354, ClinGen allele CA753058397.